The following is an entry in ClinVar:

NM_001369268.1(ACAN):c.2270T>A (p.Ile757Asn)

Gene: ACAN (aggrecan; plus strand). Cytogenetic location: 15q26.1.
Variant type: single nucleotide variant.
Coding change: c.2270T>A on transcript NM_001369268.1 (MANE Select); coding-DNA position 2270, T replaced by A.
Protein change: p.Ile757Asn; replaces isoleucine 757 with asparagine.
Molecular consequence: missense variant.
Genome position (GRCh38, 1-based): chr15:88,854,855, T>A. VCF-style: chr15-88854855-T-A. GRCh37 (hg19) VCF-style: chr15-89398086-T-A.
Other names: c.2270T>A, p.Ile757Asn (NM_001135.4, NM_001411096.1, NM_001411097.1 and 1 more transcripts); short protein forms I757N.
Identifiers: ClinVar variation 4866254 (VCV004866254.1).

ClinVar aggregate classification (germline): Uncertain significance (1 of 4 stars; one submission).

Conditions:
Inborn genetic diseases. Identifiers: MedGen C0950123, MeSH D030342.

gnomAD v4.1: 1 of 1,481,766 alleles (0.000067%); highest among the groups gnomAD compares: South Asian, 0.0015%; no homozygotes.

Submission:

Ambry Genetics
Classification: Uncertain significance for Inborn genetic diseases. Last evaluated: 2026-05-10. Review status: criteria provided, single submitter. Criteria: Ambry Variant Classification Scheme 2023. Collection method: clinical testing. Allele origin: germline.
Comment: The c.2270T>A (p.I757N) alteration is located in exon 12 (coding exon 11) of the ACAN gene. This alteration results from a T to A substitution at nucleotide position 2270, causing the isoleucine (I) at amino acid position 757 to be replaced by an asparagine (N). Based on data from gnomAD, the A allele has an overall frequency of <0.001% (0/153454) total alleles studied. The highest observed frequency was <0.001% (/) of alleles. Based on insufficient or conflicting evidence, the clinical significance of this alteration remains unclear.